The following is an entry in ClinVar:

NM_022369.4(STRA6):c.267-31C>G

Gene: STRA6 (signaling receptor and transporter of retinol STRA6; minus strand). Cytogenetic location: 15q24.1.
Variant type: single nucleotide variant.
Coding change: c.267-31C>G on transcript NM_022369.4 (MANE Select); 31 bases into the intron before coding-DNA position 267, C replaced by G.
Molecular consequence: intron variant.
Genome position (GRCh38, 1-based): chr15:74,196,178, G>C on the plus strand (C>G on the coding strand, the complement: STRA6 is on the minus strand). VCF-style: chr15-74196178-G-C. GRCh37 (hg19) VCF-style: chr15-74488519-G-C.
Other names: c.267-31C>G (NM_001437994.1, NM_001142617.2, NM_001142618.2 and 1 more transcripts); c.378-31C>G (NM_001199040.2); c.267-58C>G (NM_001142619.2); c.312-31C>G (NM_001199041.2); c.384-31C>G (NM_001199042.2).
Identifiers: ClinVar variation 5040800 (VCV005040800.1).

ClinVar aggregate classification (germline): Likely benign (1 of 4 stars; one submission).

gnomAD v4.1: 6,323 of 1,611,800 alleles (0.39%); highest among the groups gnomAD compares: Middle Eastern, 1.4%; 24 homozygotes.

Submission:

CeGaT Center for Human Genetics Tuebingen
Classification: Likely benign. Last evaluated: 2026-09-01. Review status: criteria provided, single submitter. Criteria: CeGaT Center For Human Genetics Tuebingen Variant Classification Criteria Version 2. Collection method: clinical testing. Allele origin: germline. Affected: yes. Observed: 1 variant allele.
Comment: STRA6: BS2